The following is an entry in ClinVar:

NM_000263.4(NAGLU):c.176A>T (p.Lys59Met)

Genes: NAGLU (N-acetyl-alpha-glucosaminidase; plus strand), LOC130060903 (ATAC-STARR-seq lymphoblastoid silent region 8533; plus strand). Cytogenetic location: 17q21.2.
Variant type: single nucleotide variant.
Coding change: c.176A>T on transcript NM_000263.4 (MANE Select); coding-DNA position 176, A replaced by T.
Protein change: p.Lys59Met; replaces lysine 59 with methionine.
Molecular consequence: missense variant.
Genome position (GRCh38, 1-based): chr17:42,536,448, A>T. VCF-style: chr17-42536448-A-T. GRCh37 (hg19) VCF-style: chr17-40688466-A-T.
Other names: short protein forms K59M.
Identifiers: ClinVar variation 1405862 (VCV001405862.4), dbSNP rs1217324478, ClinGen allele CA399595529.

ClinVar aggregate classification (germline): Uncertain significance (1 of 4 stars; one submission).

Conditions:
Charcot-Marie-Tooth disease axonal type 2V. Also called: CHARCOT-MARIE-TOOTH NEUROPATHY, TYPE 2V; CHARCOT-MARIE-TOOTH DISEASE, AXONAL, AUTOSOMAL DOMINANT, TYPE 2V. Identifiers: Orphanet 447964, MedGen C5569050, MONDO:0014665, OMIM 616491.
Mucopolysaccharidosis, MPS-III-B (MPS3B). Also called: MPS IIIB (Sanfilippo Syndrome Type B); N-ACETYL-ALPHA-D-GLUCOSAMINIDASE DEFICIENCY; NAGLU DEFICIENCY; MUCOPOLYSACCHARIDOSIS, TYPE IIIB; Mucopolysaccharidosis type IIIB (Sanfilippo B); SANFILIPPO SYNDROME B. Identifiers: Orphanet 79270, MedGen C0086648, MONDO:0009656, OMIM 252920.

Allele frequency attached by ClinVar (database versions not stated): gnomAD exomes 0.00001.
gnomAD v4.1: 6 of 1,258,716 alleles (0.00048%); highest among the groups gnomAD compares: Non-Finnish European, 0.0006%; no homozygotes.

Submission:

Labcorp Genetics (formerly Invitae), Labcorp
Classification: Uncertain significance for Charcot-Marie-Tooth disease axonal type 2V; Mucopolysaccharidosis, MPS-III-B. Last evaluated: 2026-01-14. Review status: criteria provided, single submitter. Criteria: Invitae Variant Classification Sherloc (09022015). Collection method: clinical testing. Allele origin: germline.
Comment: This sequence change replaces lysine, which is basic and polar, with methionine, which is neutral and non-polar, at codon 59 of the NAGLU protein (p.Lys59Met). This variant is not present in population databases (gnomAD no frequency). This variant has not been reported in the literature in individuals affected with NAGLU-related conditions. ClinVar contains an entry for this variant (Variation ID: 1405862). Invitae Evidence Modeling of protein sequence and biophysical properties (such as structural, functional, and spatial information, amino acid conservation, physicochemical variation, residue mobility, and thermodynamic stability) indicates that this missense variant is not expected to disrupt NAGLU protein function with a negative predictive value of 80%. In summary, the available evidence is currently insufficient to determine the role of this variant in disease. Therefore, it has been classified as a Variant of Uncertain Significance.